The following is an entry in ClinVar:

ClinVar aggregate classification (germline): Uncertain significance (1 of 4 stars; one submission).

Conditions:
Autosomal recessive limb-girdle muscular dystrophy type 2Y (MRRSDC). Also called: Muscular dystrophy, limb-girdle, type 2y; Muscular dystrophy, autosomal recessive, with rigid spine and distal joint contractures. Identifiers: Orphanet 424261, MedGen C4511482, MONDO:0014900, OMIM 617072.

Submission:

Labcorp Genetics (formerly Invitae), Labcorp
Classification: Uncertain significance for Autosomal recessive limb-girdle muscular dystrophy type 2Y. Last evaluated: 2022-10-03. Review status: criteria provided, single submitter. Criteria: Invitae Variant Classification Sherloc (09022015). Collection method: clinical testing. Allele origin: germline.
Comment: In summary, the available evidence is currently insufficient to determine the role of this variant in disease. Therefore, it has been classified as a Variant of Uncertain Significance. Advanced modeling of protein sequence and biophysical properties (such as structural, functional, and spatial information, amino acid conservation, physicochemical variation, residue mobility, and thermodynamic stability) performed at Invitae indicates that this missense variant is expected to disrupt TOR1AIP1 protein function. This variant has not been reported in the literature in individuals affected with TOR1AIP1-related conditions. This variant is not present in population databases (gnomAD no frequency). This sequence change replaces alanine, which is neutral and non-polar, with valine, which is neutral and non-polar, at codon 416 of the TOR1AIP1 protein (p.Ala416Val).

NM_015602.4(TOR1AIP1):c.1244C>T (p.Ala415Val)

Gene: TOR1AIP1 (torsin 1A interacting protein 1; plus strand). Cytogenetic location: 1q25.2.
Variant type: single nucleotide variant.
Coding change: c.1244C>T on transcript NM_015602.4 (MANE Select); coding-DNA position 1244, C replaced by T.
Protein change: p.Ala415Val; replaces alanine 415 with valine.
Molecular consequence: missense variant.
Genome position (GRCh38, 1-based): chr1:179,917,731, C>T. VCF-style: chr1-179917731-C-T. GRCh37 (hg19) VCF-style: chr1-179886866-C-T.
Other names: c.1247C>T, p.Ala416Val (NM_001267578.2); short protein forms A416V, A415V.
Identifiers: ClinVar variation 2155447 (VCV002155447.4), dbSNP rs2526651127, ClinGen allele CA343573849.